The following is an entry in ClinVar:

ClinVar aggregate classification (germline): Uncertain significance. Review status: criteria provided, multiple submitters, no conflicts (2 of 4 stars). 2 submissions from 2 submitters: Uncertain significance (2). Last evaluated 2025-12-18.

Conditions:
Inborn genetic diseases. Identifiers: MedGen C0950123, MeSH D030342.

Submissions (2):

Ambry Genetics
Classification: Uncertain significance for Inborn genetic diseases. Last evaluated: 2025-12-18. Review status: criteria provided, single submitter. Criteria: Ambry Variant Classification Scheme 2023. Collection method: clinical testing. Allele origin: germline.

GeneDx
Classification: Uncertain significance. Last evaluated: 2025-04-16. Review status: criteria provided, single submitter. Criteria: GeneDx Variant Classification Process June 2021. Collection method: clinical testing. Allele origin: germline. Affected: yes.
Comment: Not observed at significant frequency in large population cohorts (gnomAD); In silico analysis supports that this missense variant has a deleterious effect on protein structure/function; Has not been previously published as pathogenic or benign to our knowledge

NM_017547.4(FOXRED1):c.1277C>G (p.Pro426Arg)

Gene: FOXRED1 (FAD dependent oxidoreductase domain containing 1; plus strand). Cytogenetic location: 11q24.2.
Variant type: single nucleotide variant.
Coding change: c.1277C>G on transcript NM_017547.4 (MANE Select); coding-DNA position 1277, C replaced by G.
Protein change: p.Pro426Arg; replaces proline 426 with arginine.
Molecular consequence: missense variant. On other transcripts: non-coding transcript variant (3).
Genome position (GRCh38, 1-based): chr11:126,277,505, C>G. VCF-style: chr11-126277505-C-G. GRCh37 (hg19) VCF-style: chr11-126147400-C-G.
Other names: c.767C>G, p.Pro256Arg (NM_001425170.1, NM_001425168.1, NM_001425169.1); c.716C>G, p.Pro239Arg (NM_001425171.1, NM_001425172.1); c.644C>G, p.Pro215Arg (NM_001425173.1, NM_001425174.1); c.641C>G, p.Pro214Arg (NM_001425175.1); c.1307C>G, p.Pro436Arg (NM_001425160.1); c.1277C>G, p.Pro426Arg (NM_001425161.1); c.1274C>G, p.Pro425Arg (NM_001425163.1, NM_001425164.1); c.1271C>G, p.Pro424Arg (NM_001425165.1); and 2 more; short protein forms P214R, P215R, P239R, P256R, P392R, P410R, P424R, P425R.
Identifiers: ClinVar variation 4282212 (VCV004282212.2).